The following is an entry in ClinVar:

ClinVar aggregate classification (germline): Uncertain significance. Review status: criteria provided, multiple submitters, no conflicts (2 of 4 stars). 2 submissions from 2 submitters: Uncertain significance (2). Last evaluated 2025-05-08.

Conditions:
Inborn genetic diseases. Identifiers: MedGen C0950123, MeSH D030342.

Submissions (2):

ARUP Laboratories, Molecular Genetics and Genomics, ARUP Laboratories
Classification: Uncertain significance. Last evaluated: 2025-05-08. Review status: criteria provided, single submitter. Criteria: ARUP Molecular Germline Variant Investigation Process 2024. Collection method: clinical testing. Allele origin: germline.
Comment: The Hb Mill Hill variant (HBA1 or HBA2: c.296T>A; p.Phe99Tyr, also known as Phe98Tyr when numbered from the mature protein, rs281864483, ClinVar Variation ID: 2263512, HbVar ID: 2640) has been reported in an individual with mild anemia (see HbVar database). This variant is absent from the Genome Aggregation Database (v2.1.1), indicating it is not a common polymorphism. Computational analyses predict that this variant is deleterious (REVEL: 0.931). Due to limited information, the clinical significance of this variant is uncertain at this time. References: Link to HbVar database

Ambry Genetics
Classification: Uncertain significance for Inborn genetic diseases. Last evaluated: 2021-12-03. Review status: criteria provided, single submitter. Criteria: Ambry Variant Classification Scheme 2023. Collection method: clinical testing. Allele origin: germline.

NM_000558.5(HBA1):c.296T>A (p.Phe99Tyr)

Genes: HBA1 (hemoglobin subunit alpha 1; plus strand), LOC106804613 (hemoglobin subunit alpha 1 recombination region; plus strand). Cytogenetic location: 16p13.3.
Variant type: single nucleotide variant.
Coding change: c.296T>A on transcript NM_000558.5 (MANE Select); coding-DNA position 296, T replaced by A.
Protein change: p.Phe99Tyr; replaces phenylalanine 99 with tyrosine.
Molecular consequence: missense variant.
Genome position (GRCh38, 1-based): chr16:177,129, T>A. VCF-style: chr16-177129-T-A. GRCh37 (hg19) VCF-style: chr16-227128-T-A.
Other names: short protein forms F99Y.
Identifiers: ClinVar variation 2263512 (VCV002263512.3), dbSNP rs281864483, ClinGen allele CA276417034.
Genomic context (GRCh38, chr16:177,129, plus strand): 5'-ACGCGCTGTCCGCCCTGAGCGACCTGCACGCGCACAAGCTTCGGGTGGACCCGGTCAACT[T>A]CAAGGTGAGCGGCGGGCCGGGAGCGATCTGGGTCGAGGGGCGAGATGGCGCCTTCCTCGC-3'
Protein context (NP_000549.1, residues 89-109): AHKLRVDPVN[Phe99Tyr]KLLSHCLLVT